The following is an entry in ClinVar:

ClinVar aggregate classification (germline): Uncertain significance. Review status: criteria provided, multiple submitters, no conflicts (2 of 4 stars). 3 submissions from 3 submitters: Uncertain significance (3). Last evaluated 2024-02-17.

Conditions:
Potassium-aggravated myotonia. Also called: Myotonia congenita, atypical, acetazolamide-responsive; MYOTONIA CONGENITA, ACETAZOLAMIDE-RESPONSIVE; MYOTONIA CONGENITA, ATYPICAL; SODIUM CHANNEL MUSCLE DISEASE. Identifiers: Orphanet 612, Orphanet 99734, Orphanet 99735, Orphanet 99736, MedGen C2931826, MONDO:0018959, OMIM 608390.
Congenital myasthenic syndrome 16. Identifiers: Orphanet 590, MedGen C3280112, MONDO:0013620, OMIM 614198.
Paramyotonia congenita of Von Eulenburg. Also called: Paramyotonia Congenita; PARALYSIS PERIODICA PARAMYOTONICA; Eulenburg disease; Myotonia congenita intermittens; Von Eulenburg paramyotonia congenita. Identifiers: Orphanet 684, MedGen C0221055, MONDO:0008195, OMIM 168300. Disease mechanism: loss of function.
Hypokalemic periodic paralysis, type 2 (HOKPP2). Identifiers: Orphanet 681, MedGen C2750061, MONDO:0013234, OMIM 613345.
Hypokalemic periodic paralysis, type 1. Also called: Hypokalemic Periodic Paralysis Type 1 (AD); HypoPP. Identifiers: Orphanet 681, MedGen C3714580, MONDO:0042979, OMIM 170400.
Hyperkalemic periodic paralysis. Also called: Familial hyperkalemic periodic paralysis; Gamstorp disease. Identifiers: Orphanet 682, MedGen C0238357, MONDO:0008224, OMIM 170500, HP:0007215.

Allele frequency attached by ClinVar (database versions not stated): gnomAD 0.00002 and 0.00001; TOPMed 0.00002.

Submissions (3):

Labcorp Genetics (formerly Invitae), Labcorp
Classification: Uncertain significance for Hyperkalemic periodic paralysis. Last evaluated: 2024-02-17. Review status: criteria provided, single submitter. Criteria: Invitae Variant Classification Sherloc (09022015). Collection method: clinical testing. Allele origin: germline.
Comment: This sequence change replaces methionine, which is neutral and non-polar, with isoleucine, which is neutral and non-polar, at codon 1360 of the SCN4A protein (p.Met1360Ile). This variant is present in population databases (no rsID available, gnomAD 0.01%). This variant has not been reported in the literature in individuals affected with SCN4A-related conditions. ClinVar contains an entry for this variant (Variation ID: 954775). Advanced modeling of protein sequence and biophysical properties (such as structural, functional, and spatial information, amino acid conservation, physicochemical variation, residue mobility, and thermodynamic stability) performed at Invitae indicates that this missense variant is not expected to disrupt SCN4A protein function with a negative predictive value of 80%. This variant disrupts the p.Met1360 amino acid residue in SCN4A. Other variant(s) that disrupt this residue have been determined to be pathogenic (PMID: 7689382, 9339683, 12562902). This suggests that this residue is clinically significant, and that variants that disrupt this residue are likely to be disease-causing. In summary, the available evidence is currently insufficient to determine the role of this variant in disease. Therefore, it has been classified as a Variant of Uncertain Significance.

Fulgent Genetics
Classification: Uncertain significance for Paramyotonia congenita of Von Eulenburg; Hypokalemic periodic paralysis, type 1; Hyperkalemic periodic paralysis; Potassium-aggravated myotonia; Hypokalemic periodic paralysis, type 2; Congenital myasthenic syndrome 16. Last evaluated: 2021-07-14. Review status: criteria provided, single submitter. Criteria: ACMG Guidelines, 2015. Collection method: clinical testing. Allele origin: unknown.

GeneDx
Classification: Uncertain significance. Last evaluated: 2019-11-21. Review status: criteria provided, single submitter. Criteria: GeneDx Variant Classification Process June 2021. Collection method: clinical testing. Allele origin: germline. Affected: yes.
Comment: Has not been previously published as pathogenic or benign to our knowledge; In silico analysis, which includes protein predictors and evolutionary conservation, supports a deleterious effect

Literature cited by the submitters: PubMed 7689382 (cited by Labcorp Genetics (formerly Invitae), Labcorp); PubMed 9339683 (cited by Labcorp Genetics (formerly Invitae), Labcorp); PubMed 12562902 (cited by Labcorp Genetics (formerly Invitae), Labcorp).

NM_000334.4(SCN4A):c.4080G>C (p.Met1360Ile)

Genes: GH-LCR (growth hormone locus control region; plus strand), SCN4A (sodium voltage-gated channel alpha subunit 4; minus strand). Cytogenetic location: 17q23.3.
Variant type: single nucleotide variant.
Coding change: c.4080G>C on transcript NM_000334.4 (MANE Select); coding-DNA position 4080, G replaced by C.
Protein change: p.Met1360Ile; replaces methionine 1360 with isoleucine.
Molecular consequence: missense variant.
Genome position (GRCh38, 1-based): chr17:63,943,034, C>G on the plus strand (G>C on the coding strand, the complement: SCN4A is on the minus strand). VCF-style: chr17-63943034-C-G. GRCh37 (hg19) VCF-style: chr17-62020394-C-G.
Other names: short protein forms M1360I.
Identifiers: ClinVar variation 954775 (VCV000954775.13), dbSNP rs774789710, ClinGen allele CA292958299.